The following is an entry in ClinVar:

ClinVar aggregate classification (germline): Uncertain significance (1 of 4 stars; one submission).

Allele frequency attached by ClinVar (database versions not stated): TOPMed 0.00003; gnomAD 0.00005; ESP Exome Variant Server 0.00008; ExAC 0.00013.
gnomAD v4.1: 85 of 1,613,502 alleles (0.0053%); highest among the groups gnomAD compares: East Asian, 0.013%; no homozygotes.

Submission:

Labcorp Genetics (formerly Invitae), Labcorp
Classification: Uncertain significance. Last evaluated: 2022-06-20. Review status: criteria provided, single submitter. Criteria: Invitae Variant Classification Sherloc (09022015). Collection method: clinical testing. Allele origin: germline.
Comment: This sequence change replaces isoleucine, which is neutral and non-polar, with valine, which is neutral and non-polar, at codon 379 of the GUCY1A1 protein (p.Ile379Val). This variant is present in population databases (rs372081493, gnomAD 0.04%). This variant has not been reported in the literature in individuals affected with GUCY1A1-related conditions. Algorithms developed to predict the effect of missense changes on protein structure and function output the following: SIFT: "Deleterious"; PolyPhen-2: "Benign"; Align-GVGD: "Class C25". The valine amino acid residue is found in multiple mammalian species, which suggests that this missense change does not adversely affect protein function. Algorithms developed to predict the effect of sequence changes on RNA splicing suggest that this variant may create or strengthen a splice site. In summary, the available evidence is currently insufficient to determine the role of this variant in disease. Therefore, it has been classified as a Variant of Uncertain Significance.

NM_001130682.3(GUCY1A1):c.1135A>G (p.Ile379Val)

Gene: GUCY1A1 (guanylate cyclase 1 soluble subunit alpha 1; plus strand). Cytogenetic location: 4q32.1.
Variant type: single nucleotide variant.
Coding change: c.1135A>G on transcript NM_001130682.3 (MANE Select); coding-DNA position 1135, A replaced by G.
Protein change: p.Ile379Val; replaces isoleucine 379 with valine.
Molecular consequence: missense variant.
Genome position (GRCh38, 1-based): chr4:155,713,146, A>G. VCF-style: chr4-155713146-A-G. GRCh37 (hg19) VCF-style: chr4-156634298-A-G.
Other names: c.1135A>G, p.Ile379Val (NM_000856.6, NM_001130683.4, NM_001130684.3 and 12 more transcripts); c.430A>G, p.Ile144Val (NM_001130685.3); c.628A>G, p.Ile210Val (NM_001379676.1); short protein forms I210V, I144V, I379V.
Identifiers: ClinVar variation 1437310 (VCV001437310.8), dbSNP rs372081493, ClinGen allele CA3117329.